The following is an entry in ClinVar:

ClinVar aggregate classification (germline): Conflicting classifications of pathogenicity. Review status: criteria provided, conflicting classifications (1 of 4 stars). 3 submissions from 3 submitters: Uncertain significance (1); Likely benign (2). Last evaluated 2025-10-14.

Conditions:
Hereditary cancer-predisposing syndrome. Also called: Hereditary neoplastic syndrome; Hereditary Cancer Syndrome; Tumor predisposition; Neoplastic Syndromes, Hereditary. Identifiers: Orphanet 140162, MedGen C0027672, MeSH D009386, MONDO:0015356.

Allele frequency attached by ClinVar (database versions not stated): gnomAD 0.00001; TOPMed 0.00002.
gnomAD v4.1: 10 of 1,613,752 alleles (0.00062%); highest among the groups gnomAD compares: African/African-American, 0.013%; no homozygotes.

Submissions (3):

Labcorp Genetics (formerly Invitae), Labcorp
Classification: Likely benign. Last evaluated: 2025-10-14. Review status: criteria provided, single submitter. Criteria: Invitae Variant Classification Sherloc (09022015). Collection method: clinical testing. Allele origin: germline.

Quest Diagnostics Nichols Institute San Juan Capistrano
Classification: Uncertain significance. Last evaluated: 2022-09-26. Review status: criteria provided, single submitter. Criteria: Quest Diagnostics criteria. Collection method: clinical testing. Allele origin: unknown.
Comment: To the best of our knowledge, the variant has not been reported in the published literature. The frequency of this variant in the general population, 0.00025 (4/16244 chromosomes), is uninformative in assessment of its pathogenicity. Analysis of this variant using software algorithms for the prediction of the effect of nucleotide changes on splicing yielded predictions that this variant does not affect NTHL1 mRNA splicing . Based on the available information, we are unable to determine the clinical significance of this variant.

Ambry Genetics
Classification: Likely benign for Hereditary cancer-predisposing syndrome. Last evaluated: 2020-06-25. Review status: criteria provided, single submitter. Criteria: Ambry Variant Classification Scheme 2023. Collection method: clinical testing. Allele origin: germline.

NM_002528.7(NTHL1):c.717C>T (p.Asn239=)

Gene: NTHL1 (nth like DNA glycosylase 1; minus strand). Cytogenetic location: 16p13.3.
Variant type: single nucleotide variant.
Coding change: c.717C>T on transcript NM_002528.7 (MANE Select); coding-DNA position 717, C replaced by T.
Protein change: p.Asn239=; no amino-acid change (asparagine 239 retained).
Molecular consequence: synonymous variant.
Genome position (GRCh38, 1-based): chr16:2,040,207, G>A on the plus strand (C>T on the coding strand, the complement: NTHL1 is on the minus strand). VCF-style: chr16-2040207-G-A. GRCh37 (hg19) VCF-style: chr16-2090208-G-A.
Other names: c.546C>T, p.Asn182= (NM_001318193.2); c.387C>T, p.Asn129= (NM_001318194.2); c.741C>T (NM_002528.6).
Identifiers: ClinVar variation 1153621 (VCV001153621.12), dbSNP rs1475205147, ClinGen allele CA492950248.